The following is an entry in ClinVar:

NM_032380.5(GFM2):c.1070A>G (p.Tyr357Cys)

Gene: GFM2 (GTP dependent ribosome recycling factor mitochondrial 2; minus strand). Cytogenetic location: 5q13.3.
Variant type: single nucleotide variant.
Coding change: c.1070A>G on transcript NM_032380.5 (MANE Select); coding-DNA position 1070, A replaced by G.
Protein change: p.Tyr357Cys; replaces tyrosine 357 with cysteine.
Molecular consequence: missense variant. On other transcripts: non-coding transcript variant (1).
Genome position (GRCh38, 1-based): chr5:74,739,998, T>C on the plus strand (A>G on the coding strand, the complement: GFM2 is on the minus strand). VCF-style: chr5-74739998-T-C. GRCh37 (hg19) VCF-style: chr5-74035823-T-C.
Other names: p.Y357C:TAT>TGT; c.1166A>G, p.Tyr389Cys (NM_001281302.2); c.1070A>G, p.Tyr357Cys (NM_170681.3, NM_170691.3); short protein forms Y357C, Y389C.
Identifiers: ClinVar variation 214502 (VCV000214502.11), dbSNP rs138670775, ClinGen allele CA325293.

ClinVar aggregate classification (germline): Conflicting classifications of pathogenicity. Review status: criteria provided, conflicting classifications (1 of 4 stars). 3 submissions from 3 submitters: Uncertain significance (2); Likely benign (1). Last evaluated 2024-12-27.

Conditions:
Inborn genetic diseases. Identifiers: MedGen C0950123, MeSH D030342.

Allele frequency attached by ClinVar (database versions not stated): ExAC 0.00007; gnomAD exomes 0.00008 and 0.00015; 1000 Genomes Project 30x 0.00016; 1000 Genomes Project 0.00020; gnomAD 0.00027 and 0.00029; ESP Exome Variant Server 0.00031; TOPMed 0.00035.
gnomAD v4.1: 245 of 1,541,810 alleles (0.016%); highest among the groups gnomAD compares: African/African-American, 0.077%; no homozygotes.

Submissions (3):

Ambry Genetics
Classification: Likely benign for Inborn genetic diseases. Last evaluated: 2024-12-27. Review status: criteria provided, single submitter. Criteria: Ambry Variant Classification Scheme 2023. Collection method: clinical testing. Allele origin: germline.

Labcorp Genetics (formerly Invitae), Labcorp
Classification: Uncertain significance. Last evaluated: 2024-02-24. Review status: criteria provided, single submitter. Criteria: Invitae Variant Classification Sherloc (09022015). Collection method: clinical testing. Allele origin: germline.
Comment: This sequence change replaces tyrosine, which is neutral and polar, with cysteine, which is neutral and slightly polar, at codon 357 of the GFM2 protein (p.Tyr357Cys). This variant is present in population databases (rs138670775, gnomAD 0.08%), and has an allele count higher than expected for a pathogenic variant. This variant has not been reported in the literature in individuals affected with GFM2-related conditions. ClinVar contains an entry for this variant (Variation ID: 214502). Advanced modeling of protein sequence and biophysical properties (such as structural, functional, and spatial information, amino acid conservation, physicochemical variation, residue mobility, and thermodynamic stability) performed at Invitae indicates that this missense variant is not expected to disrupt GFM2 protein function with a negative predictive value of 80%. In summary, the available evidence is currently insufficient to determine the role of this variant in disease. Therefore, it has been classified as a Variant of Uncertain Significance.

GeneDx
Classification: Uncertain significance. Last evaluated: 2023-07-20. Review status: criteria provided, single submitter. Criteria: GeneDx Variant Classification Process June 2021. Collection method: clinical testing. Allele origin: germline. Affected: yes.
Comment: In silico analysis supports that this missense variant has a deleterious effect on protein structure/function; Has not been previously published as pathogenic or benign to our knowledge